The following is an entry in ClinVar:

NM_015459.5(ATL3):c.505G>C (p.Val169Leu)

Genes: ATL3 (atlastin GTPase 3; minus strand), LNCROPM (lncRNA regulator of PLAAT3 mediated phospholipid metabolism; plus strand). Cytogenetic location: 11q13.1.
Variant type: single nucleotide variant.
Coding change: c.505G>C on transcript NM_015459.5 (MANE Select); coding-DNA position 505, G replaced by C.
Protein change: p.Val169Leu; replaces valine 169 with leucine.
Molecular consequence: missense variant.
Genome position (GRCh38, 1-based): chr11:63,652,476, C>G on the plus strand (G>C on the coding strand, the complement: ATL3 is on the minus strand). VCF-style: chr11-63652476-C-G. GRCh37 (hg19) VCF-style: chr11-63419948-C-G.
Other names: c.451G>C, p.Val151Leu (NM_001290048.2); short protein forms V151L, V169L.
Identifiers: ClinVar variation 2745706 (VCV002745706.3), dbSNP rs1940107697, ClinGen allele CA381027365.

ClinVar aggregate classification (germline): Uncertain significance (1 of 4 stars; one submission).

Conditions:
Neuropathy, hereditary sensory, type 1F. Also called: HSN IF; Hereditary sensory neuropathy type IF. Identifiers: Orphanet 36386, MedGen C3810194, MONDO:0014286, OMIM 615632.

Submission:

Labcorp Genetics (formerly Invitae), Labcorp
Classification: Uncertain significance for Neuropathy, hereditary sensory, type 1F. Last evaluated: 2023-09-21. Review status: criteria provided, single submitter. Criteria: Invitae Variant Classification Sherloc (09022015). Collection method: clinical testing. Allele origin: germline.
Comment: This variant is not present in population databases (gnomAD no frequency). This sequence change replaces valine, which is neutral and non-polar, with leucine, which is neutral and non-polar, at codon 169 of the ATL3 protein (p.Val169Leu). This variant has not been reported in the literature in individuals affected with ATL3-related conditions. In summary, the available evidence is currently insufficient to determine the role of this variant in disease. Therefore, it has been classified as a Variant of Uncertain Significance. Advanced modeling of protein sequence and biophysical properties (such as structural, functional, and spatial information, amino acid conservation, physicochemical variation, residue mobility, and thermodynamic stability) performed at Invitae indicates that this missense variant is not expected to disrupt ATL3 protein function.